The following is an entry in ClinVar:

NM_025099.6(CTC1):c.2517T>G (p.Ser839=)

Gene: CTC1 (CST telomere replication complex component 1; minus strand). Cytogenetic location: 17p13.1.
Variant type: single nucleotide variant.
Coding change: c.2517T>G on transcript NM_025099.6 (MANE Select); coding-DNA position 2517, T replaced by G.
Protein change: p.Ser839=; no amino-acid change (serine 839 retained).
Molecular consequence: synonymous variant. On other transcripts: non-coding transcript variant (1).
Genome position (GRCh38, 1-based): chr17:8,231,428, A>C on the plus strand (T>G on the coding strand, the complement: CTC1 is on the minus strand). VCF-style: chr17-8231428-A-C. GRCh37 (hg19) VCF-style: chr17-8134746-A-C.
Other names: c.2517T>G, p.Ser839= (NM_001411067.1).
Identifiers: ClinVar variation 3051198 (VCV003051198.2), dbSNP rs2507890941, ClinGen allele CA497958884.

ClinVar aggregate classification (germline): Likely benign (0 of 4 stars; one submission).

Conditions:
CTC1-related disorder. Also called: CTC1-related condition.

Allele frequency attached by ClinVar (database versions not stated): gnomAD exomes below 0.00001.
gnomAD v4.1: 2 of 1,613,256 alleles (0.00012%); highest among the groups gnomAD compares: South Asian, 0.0022%; no homozygotes.

Submission:

PreventionGenetics, part of Exact Sciences
Classification: Likely benign for CTC1-related condition. Last evaluated: 2022-08-18. Review status: no assertion criteria provided. Collection method: clinical testing. Allele origin: germline.
Comment: This variant is classified as likely benign based on ACMG/AMP sequence variant interpretation guidelines (Richards et al. 2015 PMID: 25741868, with internal and published modifications).